The following is an entry in ClinVar:

ClinVar aggregate classification (germline): Conflicting classifications of pathogenicity. Review status: criteria provided, conflicting classifications (1 of 4 stars). 3 submissions from 3 submitters: Uncertain significance (2); Benign (1). Last evaluated 2026-01-06.

Conditions:
Primary ciliary dyskinesia. Also called: Ciliary dyskinesia. Identifiers: Orphanet 244, MedGen C0008780, MONDO:0016575, HP:0012265.

Allele frequency attached by ClinVar (database versions not stated): gnomAD 0.00001; TOPMed 0.00001.
gnomAD v4.1: 14 of 1,599,882 alleles (0.00088%); highest among the groups gnomAD compares: Middle Eastern, 0.052%; no homozygotes.

Submissions (3):

Ambry Genetics
Classification: Uncertain significance for Primary ciliary dyskinesia. Last evaluated: 2026-01-06. Review status: criteria provided, single submitter. Criteria: Ambry Variant Classification Scheme 2023. Collection method: clinical testing. Allele origin: germline.
Comment: The p.Q3395E variant (also known as c.10183C>G), located in coding exon 63 of the DNAH11 gene, results from a C to G substitution at nucleotide position 10183. The glutamine at codon 3395 is replaced by glutamic acid, an amino acid with highly similar properties. This amino acid position is conserved. In addition, this alteration is predicted to be tolerated by in silico analysis. Based on the available evidence, the clinical significance of this variant remains unclear.

Blueprint Genetics
Classification: Uncertain significance. Last evaluated: 2024-09-09. Review status: criteria provided, single submitter. Criteria: ACMG Guidelines, 2015. Collection method: clinical testing. Allele origin: germline.

Labcorp Genetics (formerly Invitae), Labcorp
Classification: Benign for Primary ciliary dyskinesia. Last evaluated: 2024-03-16. Review status: criteria provided, single submitter. Criteria: Invitae Variant Classification Sherloc (09022015). Collection method: clinical testing. Allele origin: germline.

NM_001277115.2(DNAH11):c.10183C>G (p.Gln3395Glu)

Gene: DNAH11 (dynein axonemal heavy chain 11; plus strand). Cytogenetic location: 7p15.3.
Variant type: single nucleotide variant.
Coding change: c.10183C>G on transcript NM_001277115.2 (MANE Select); coding-DNA position 10183, C replaced by G.
Protein change: p.Gln3395Glu; replaces glutamine 3395 with glutamic acid.
Molecular consequence: missense variant.
Genome position (GRCh38, 1-based): chr7:21,807,900, C>G. VCF-style: chr7-21807900-C-G. GRCh37 (hg19) VCF-style: chr7-21847518-C-G.
Other names: short protein forms Q3395E.
Identifiers: ClinVar variation 985945 (VCV000985945.8), dbSNP rs759904861, ClinGen allele CA4182280.